The following is an entry in ClinVar:

NM_019892.6(INPP5E):c.1666-5C>T

Gene: INPP5E (inositol polyphosphate-5-phosphatase E; minus strand). Cytogenetic location: 9q34.3.
Variant type: single nucleotide variant.
Coding change: c.1666-5C>T on transcript NM_019892.6 (MANE Select); 5 bases into the intron before coding-DNA position 1666, C replaced by T.
Molecular consequence: intron variant.
Genome position (GRCh38, 1-based): chr9:136,430,418, G>A on the plus strand (C>T on the coding strand, the complement: INPP5E is on the minus strand). VCF-style: chr9-136430418-G-A. GRCh37 (hg19) VCF-style: chr9-139324870-G-A.
Other names: c.1663-5C>T (NM_001318502.2); c.1666-5C>T (NM_019892.5).
Identifiers: ClinVar variation 1147006 (VCV001147006.10), dbSNP rs369685858, ClinGen allele CA5336684.

ClinVar aggregate classification (germline): Likely benign. Review status: criteria provided, single submitter (1 of 4 stars). 2 submissions from 2 submitters: Likely benign (1). 1 of the submissions does not count toward it. Last evaluated 2022-02-23.

Conditions:
INPP5E-related disorder. Also called: INPP5E-related condition.
Joubert syndrome. Also called: CEREBELLOPARENCHYMAL DISORDER IV; JOUBERT-BOLTSHAUSER SYNDROME; Familial aplasia of the vermis. Identifiers: Orphanet 475, MedGen C5979921, MONDO:0018772.

Allele frequency attached by ClinVar (database versions not stated): gnomAD 0.00001; gnomAD exomes 0.00002; ExAC 0.00005; ESP Exome Variant Server 0.00008.
gnomAD v4.1: 4 of 1,554,720 alleles (0.00026%); highest among the groups gnomAD compares: Non-Finnish European, 0.00035%; no homozygotes.

Submissions (2):

Labcorp Genetics (formerly Invitae), Labcorp
Classification: Likely benign for Joubert syndrome. Last evaluated: 2022-02-23. Review status: criteria provided, single submitter. Criteria: Invitae Variant Classification Sherloc (09022015). Collection method: clinical testing. Allele origin: germline.

PreventionGenetics, part of Exact Sciences
Classification: Likely benign for INPP5E-related condition. Last evaluated: 2019-11-20. Review status: no assertion criteria provided. Collection method: clinical testing. Allele origin: germline. Not counted in ClinVar's aggregate classification.
Comment: This variant is classified as likely benign based on ACMG/AMP sequence variant interpretation guidelines (Richards et al. 2015 PMID: 25741868, with internal and published modifications).